The following is an entry in ClinVar:

ClinVar aggregate classification (germline): Pathogenic. Review status: criteria provided, multiple submitters, no conflicts (2 of 4 stars). 6 submissions from 6 submitters: Pathogenic (6). Last evaluated 2026-01-22.

Conditions:
Osteogenesis imperfecta (OI). Identifiers: Orphanet 666, MedGen C0029434, MeSH D010013, MONDO:0019019.
Osteogenesis imperfecta type 6. Also called: Osteogenesis imperfecta, type VI. Identifiers: Orphanet 666, MedGen C3279564, MONDO:0013515, OMIM 613982.

Allele frequency attached by ClinVar (database versions not stated): gnomAD 0.00001; gnomAD exomes 0.00001 and below 0.00001.
gnomAD v4.1: 12 of 1,613,872 alleles (0.00074%); highest among the groups gnomAD compares: African/African-American, 0.0027%; no homozygotes.

Submissions (6):

Labcorp Genetics (formerly Invitae), Labcorp
Classification: Pathogenic. Last evaluated: 2026-01-22. Review status: criteria provided, single submitter. Criteria: Invitae Variant Classification Sherloc (09022015). Collection method: clinical testing. Allele origin: germline.
Comment: This sequence change creates a premature translational stop signal (p.Arg99*) in the SERPINF1 gene. It is expected to result in an absent or disrupted protein product. Loss-of-function variants in SERPINF1 are known to be pathogenic (PMID: 21353196, 21826736). This variant is present in population databases (no rsID available, gnomAD 0.0009%). This premature translational stop signal has been observed in individual(s) with osteogenesis imperfecta (PMID: 21826736). It has also been observed to segregate with disease in related individuals. ClinVar contains an entry for this variant (Variation ID: 426454). For these reasons, this variant has been classified as Pathogenic.

3billion
Classification: Pathogenic for Osteogenesis imperfecta type 6. Last evaluated: 2026-01-21. Review status: criteria provided, single submitter. Criteria: ACMG Guidelines, 2015. Collection method: clinical testing. Allele origin: germline. Affected: yes.
Comment: The variant is observed at an extremely low frequency in the gnomAD v4.1.0 dataset (total allele frequency: <0.001%). Predicted Consequence/Location: Stop-gained (nonsense): predicted to result in a loss or disruption of normal protein function through nonsense-mediated decay (NMD) or protein truncation. Multiple pathogenic variants are reported downstream of the variant. The variant has been reported at least twice as pathogenic with clinical assertions and evidence for the classification (ClinVar ID: VCV000426454 /PMID: 21826736). Therefore, this variant is classified as Pathogenic according to the recommendation of ACMG/AMP guideline.

Clinical Biomedical Laboratory, Shriners Hospital For Children - Canada
Classification: Pathogenic for Osteogenesis imperfecta type 6. Last evaluated: 2025-10-05. Review status: criteria provided, single submitter. Criteria: ACMG Guidelines, 2015. Collection method: clinical testing. Allele origin: germline. Affected: yes.
Comment: This variant is predicted to substitute an arginine residue by a premature stop codon. This is expected to lead to degradation of the affected transcript and loss of function. Biallelic loss of function variants in SERPINF1 are associated with autosomal recessive osteogenesis imperfecta. This variant, in the homozygous state, has been reported in individuals with osteogenesis imperfecta type VI (PMID 21826736). In the Genome Aggregation Database (gnomAD v2.1.1) this variant is very rare.

Women's Health and Genetics/Laboratory Corporation of America, LabCorp
Classification: Pathogenic for Osteogenesis imperfecta. Last evaluated: 2024-09-09. Review status: criteria provided, single submitter. Criteria: LabCorp Variant Classification Summary - May 2015. Collection method: clinical testing. Allele origin: germline.
Comment: Variant summary: SERPINF1 c.295C>T (p.Arg99X) results in a premature termination codon, predicted to cause a truncation of the encoded protein or absence of the protein due to nonsense mediated decay, which are commonly known mechanisms for disease. The variant allele was found at a frequency of 4e-06 in 251488 control chromosomes. c.295C>T has been reported in the literature in the homozygous state in at least 1 individual affected with Osteogenesis Imperfecta (example, Homan_2011). These data indicate that the variant may be associated with disease. To our knowledge, no experimental evidence demonstrating an impact on protein function has been reported. The following publication has been ascertained in the context of this evaluation (PMID: 21826736). ClinVar contains an entry for this variant (Variation ID: 426454). Based on the evidence outlined above, the variant was classified as pathogenic.

Fulgent Genetics
Classification: Pathogenic for Osteogenesis imperfecta type 6. Last evaluated: 2024-02-22. Review status: criteria provided, single submitter. Criteria: ACMG Guidelines, 2015. Collection method: clinical testing. Allele origin: germline.

GeneDx
Classification: Pathogenic. Last evaluated: 2017-04-16. Review status: criteria provided, single submitter. Criteria: GeneDx Variant Classification (06012015). Collection method: clinical testing. Allele origin: germline. Affected: yes.
Comment: The R99X variant in the SERPINF1 gene has been reported previously in the homozygous state andcompound heterozygous state in multiple unrelated individuals with osteogenesis imperfecta type VI (Homan et al., 2011;Rauch et al., 2012). This variant is predicted to cause loss of normal protein function either throughprotein truncation or nonsense-mediated mRNA decay. The R99X variant is not observed in largepopulation cohorts (Lek et al., 2016; 1000 Genomes Consortium et al., 2015; Exome Variant Server).We interpret R99X as a pathogenic variant.

Literature cited by the submitters: PubMed 21353196 (cited by Labcorp Genetics (formerly Invitae), Labcorp); PubMed 21826736 (cited by 4 submitters).

NM_002615.7(SERPINF1):c.295C>T (p.Arg99Ter)

Gene: SERPINF1 (serpin family F member 1; plus strand). Cytogenetic location: 17p13.3.
Variant type: single nucleotide variant.
Coding change: c.295C>T on transcript NM_002615.7 (MANE Select); coding-DNA position 295, C replaced by T.
Protein change: p.Arg99Ter; replaces arginine 99 with a stop codon.
Molecular consequence: nonsense. On other transcripts: 5 prime UTR variant (1).
Genome position (GRCh38, 1-based): chr17:1,771,040, C>T. VCF-style: chr17-1771040-C-T. GRCh37 (hg19) VCF-style: chr17-1674334-C-T.
Other names: c.295C>T, p.Arg99Ter (NM_001329903.2); c.-267C>T (NM_001329904.2); short protein forms R99*.
Identifiers: ClinVar variation 426454 (VCV000426454.8), dbSNP rs1085307634, ClinGen allele CA397584444.
Genomic context (GRCh38, chr17:1,771,040, plus strand): 5'-TGGGGCCCTGGTGTGCAGTTATCAACGTCCACATCCTTGTCTCTGGCAGGAGCGGAGCAG[C>T]GAACAGAATCCATCATTCACCGGGCTCTCTACTATGACTTGATCAGCAGCCCAGACATCC-3'